The following is an entry in ClinVar:

NM_001277115.2(DNAH11):c.883-4T>G

Gene: DNAH11 (dynein axonemal heavy chain 11; plus strand). Cytogenetic location: 7p15.3.
Variant type: single nucleotide variant.
Coding change: c.883-4T>G on transcript NM_001277115.2 (MANE Select); 4 bases into the intron before coding-DNA position 883, T replaced by G.
Molecular consequence: intron variant.
Genome position (GRCh38, 1-based): chr7:21,561,067, T>G. VCF-style: chr7-21561067-T-G. GRCh37 (hg19) VCF-style: chr7-21600685-T-G.
Identifiers: ClinVar variation 1764824 (VCV001764824.6), dbSNP rs781560218, ClinGen allele CA572912839.
Genomic context (GRCh38, chr7:21,561,067, plus strand): 5'-AATGCATGTATTTAGTAATCGAGTTTATATTTATTAAAGTTCTTCTTTTTTTCCTTTAAC[T>G]TAGCTTCAGGCACCTGTTGTCCTCAAAATGGTTAAGATCCTGACAACTAAACAAAGCAGC-3'

ClinVar aggregate classification (germline): Conflicting classifications of pathogenicity. Review status: criteria provided, conflicting classifications (1 of 4 stars). 3 submissions from 3 submitters: Uncertain significance (1); Likely benign (2). Last evaluated 2025-08-09.

Conditions:
Primary ciliary dyskinesia. Also called: Ciliary dyskinesia. Identifiers: Orphanet 244, MedGen C0008780, MONDO:0016575, HP:0012265.

Allele frequency attached by ClinVar (database versions not stated): gnomAD 0.00001.
gnomAD v4.1: 2 of 1,584,458 alleles (0.00013%); highest among the groups gnomAD compares: Admixed American, 0.0018%; no homozygotes.

Submissions (3):

Labcorp Genetics (formerly Invitae), Labcorp
Classification: Likely benign for Primary ciliary dyskinesia. Last evaluated: 2025-08-09. Review status: criteria provided, single submitter. Criteria: Invitae Variant Classification Sherloc (09022015). Collection method: clinical testing. Allele origin: germline.

Blueprint Genetics
Classification: Likely benign. Last evaluated: 2022-11-01. Review status: criteria provided, single submitter. Criteria: ACMG Guidelines, 2015. Collection method: clinical testing. Allele origin: germline.

Ambry Genetics
Classification: Uncertain significance for Primary ciliary dyskinesia. Last evaluated: 2020-10-01. Review status: criteria provided, single submitter. Criteria: Ambry Variant Classification Scheme 2023. Collection method: clinical testing. Allele origin: germline.
Comment: The c.883-4T>G intronic variant results from a T to G substitution 4 nucleotides upstream from coding exon 5 in the DNAH11 gene. This nucleotide position is highly conserved in available vertebrate species. In silico splice site analysis predicts that this alteration will not have any significant effect on splicing. Since supporting evidence is limited at this time, the clinical significance of this alteration remains unclear.